The following is an entry in ClinVar:

NM_001267550.2(TTN):c.106274G>A (p.Gly35425Glu)

Genes: TTN (titin; minus strand), TTN-AS1 (TTN antisense RNA 1; plus strand). Cytogenetic location: 2q31.2.
Variant type: single nucleotide variant.
Coding change: c.106274G>A on transcript NM_001267550.2 (MANE Select); coding-DNA position 106274, G replaced by A.
Protein change: p.Gly35425Glu; replaces glycine 35425 with glutamic acid.
Molecular consequence: missense variant.
Genome position (GRCh38, 1-based): chr2:178,530,341, C>T on the plus strand (G>A on the coding strand, the complement: TTN is on the minus strand). VCF-style: chr2-178530341-C-T. GRCh37 (hg19) VCF-style: chr2-179395068-C-T.
Other names: c.106274G>A (NM_001267550.1); c.101351G>A, p.Gly33784Glu (NM_001256850.1); c.79079G>A, p.Gly26360Glu (NM_003319.4); c.98570G>A, p.Gly32857Glu (NM_133378.4); c.79454G>A, p.Gly26485Glu (NM_133432.3); c.79655G>A, p.Gly26552Glu (NM_133437.4); short protein forms G26360E, G33784E, G26485E, G26552E, G32857E, G35425E.
Identifiers: ClinVar variation 962961 (VCV000962961.7), dbSNP rs1204851576, ClinGen allele CA349406359.

ClinVar aggregate classification (germline): Uncertain significance. Review status: criteria provided, multiple submitters, no conflicts (2 of 4 stars). 2 submissions from 2 submitters: Uncertain significance (2). Last evaluated 2025-07-21.

Conditions:
Dilated cardiomyopathy 1G (CMD1G). Identifiers: Orphanet 154, MedGen C1858763, MONDO:0011400, OMIM 604145.
Autosomal recessive limb-girdle muscular dystrophy type 2J (LGMDR10). Also called: Limb-girdle muscular dystrophy, type 2J; MUSCULAR DYSTROPHY, LIMB-GIRDLE, AUTOSOMAL RECESSIVE 10. Identifiers: Orphanet 140922, MedGen C1837342, MONDO:0012127, OMIM 608807.

Allele frequency attached by ClinVar (database versions not stated): TOPMed 0.00001.

Submissions (2):

GeneDx
Classification: Uncertain significance. Last evaluated: 2025-07-21. Review status: criteria provided, single submitter. Criteria: GeneDx Variant Classification Process June 2021. Collection method: clinical testing. Allele origin: germline. Affected: yes.
Comment: Not observed at significant frequency in large population cohorts (gnomAD); Missense variant in a gene in which most reported pathogenic variants are truncating/loss of function; Has not been previously published as pathogenic or benign to our knowledge

Labcorp Genetics (formerly Invitae), Labcorp
Classification: Uncertain significance for Dilated cardiomyopathy 1G; Autosomal recessive limb-girdle muscular dystrophy type 2J. Last evaluated: 2024-11-04. Review status: criteria provided, single submitter. Criteria: Invitae Variant Classification Sherloc (09022015). Collection method: clinical testing. Allele origin: germline.
Comment: This sequence change replaces glycine, which is neutral and non-polar, with glutamic acid, which is acidic and polar, at codon 35425 of the TTN protein (p.Gly35425Glu). This variant is not present in population databases (gnomAD no frequency). This variant has not been reported in the literature in individuals affected with TTN-related conditions. ClinVar contains an entry for this variant (Variation ID: 962961). Experimental studies and prediction algorithms are not available or were not evaluated, and the functional significance of this variant is currently unknown. This variant is located in the M band of TTN (PMID: 25589632). Non-truncating variants in this region may be relevant for neuromuscular disorders, but have not been definitively shown to cause cardiomyopathy (PMID: 23975875). In summary, the available evidence is currently insufficient to determine the role of this variant in disease. Therefore, it has been classified as a Variant of Uncertain Significance.

Literature cited by the submitters: PubMed 25589632 (cited by Labcorp Genetics (formerly Invitae), Labcorp); PubMed 23975875 (cited by Labcorp Genetics (formerly Invitae), Labcorp).